The following is an entry in ClinVar:

ClinVar aggregate classification (germline): Uncertain significance. Review status: criteria provided, multiple submitters, no conflicts (2 of 4 stars). 2 submissions from 2 submitters: Uncertain significance (2). Last evaluated 2022-09-11.

Conditions:
Inborn genetic diseases. Identifiers: MedGen C0950123, MeSH D030342.
Generalized epilepsy with febrile seizures plus, type 7 (GEFSP7). Also called: GEFS+, TYPE 7. Identifiers: Orphanet 36387, MedGen C2751778, MONDO:0013470, OMIM 613863.
Neuropathy, hereditary sensory and autonomic, type 2A (HSAN2A). Also called: ACROOSTEOLYSIS, GIACCAI TYPE; ACROOSTEOLYSIS, NEUROGENIC; MORVAN DISEASE; HSAN IIA; NEUROPATHY, CONGENITAL SENSORY; NEUROPATHY, HEREDITARY SENSORY RADICULAR, AUTOSOMAL RECESSIVE. Identifiers: Orphanet 970, MedGen C2752089, MONDO:0024309, OMIM 201300.

gnomAD v4.1: 11 of 1,613,006 alleles (0.00068%); highest among the groups gnomAD compares: Middle Eastern, 0.017%; no homozygotes.

Submissions (2):

Labcorp Genetics (formerly Invitae), Labcorp
Classification: Uncertain significance for Neuropathy, hereditary sensory and autonomic, type 2A; Generalized epilepsy with febrile seizures plus, type 7. Last evaluated: 2022-09-11. Review status: criteria provided, single submitter. Criteria: Invitae Variant Classification Sherloc (09022015). Collection method: clinical testing. Allele origin: germline.
Comment: In summary, the available evidence is currently insufficient to determine the role of this variant in disease. Therefore, it has been classified as a Variant of Uncertain Significance. This sequence change replaces histidine, which is basic and polar, with aspartic acid, which is acidic and polar, at codon 1030 of the SCN9A protein (p.His1030Asp). This variant is present in population databases (rs200163274, gnomAD 0.007%). This variant has not been reported in the literature in individuals affected with SCN9A-related conditions. ClinVar contains an entry for this variant (Variation ID: 1472379). Advanced modeling of protein sequence and biophysical properties (such as structural, functional, and spatial information, amino acid conservation, physicochemical variation, residue mobility, and thermodynamic stability) performed at Invitae indicates that this missense variant is not expected to disrupt SCN9A protein function.

Ambry Genetics
Classification: Uncertain significance for Inborn genetic diseases. Last evaluated: 2022-02-11. Review status: criteria provided, single submitter. Criteria: Ambry Variant Classification Scheme 2023. Collection method: clinical testing. Allele origin: germline.
Comment: The p.H1030D variant (also known as c.3088C>G), located in coding exon 16 of the SCN9A gene, results from a C to G substitution at nucleotide position 3088. The histidine at codon 1030 is replaced by aspartic acid, an amino acid with similar properties. This amino acid position is conserved. In addition, this alteration is predicted to be tolerated by in silico analysis. Since supporting evidence is limited at this time, the clinical significance of this alteration remains unclear.

NM_001365536.1(SCN9A):c.3121C>G (p.His1041Asp)

Genes: SCN9A (sodium voltage-gated channel alpha subunit 9; minus strand), SCN1A-AS1 (SCN1A and SCN9A antisense RNA 1; plus strand). Cytogenetic location: 2q24.3.
Variant type: single nucleotide variant.
Coding change: c.3121C>G on transcript NM_001365536.1 (MANE Select); coding-DNA position 3121, C replaced by G.
Protein change: p.His1041Asp; replaces histidine 1041 with aspartic acid.
Molecular consequence: missense variant.
Genome position (GRCh38, 1-based): chr2:166,272,629, G>C on the plus strand (C>G on the coding strand, the complement: SCN9A is on the minus strand). VCF-style: chr2-166272629-G-C. GRCh37 (hg19) VCF-style: chr2-167129139-G-C.
Other names: c.3088C>G, p.His1030Asp (NM_002977.4); short protein forms H1041D, H1030D.
Identifiers: ClinVar variation 1472379 (VCV001472379.8), dbSNP rs200163274, ClinGen allele CA59791487.